The following is an entry in ClinVar:

ClinVar aggregate classification (germline): Pathogenic (1 of 4 stars; one submission).

Conditions:
Epidermolysis bullosa simplex with nail dystrophy (EBS5D). Identifiers: MedGen C4225309, MONDO:0014661, OMIM 616487.
Epidermolysis bullosa simplex, Ogna type (EBS5A). Also called: Pidermolysis bullosa simplex 5A, Ogna type; EPIDERMOLYSIS BULLOSA SIMPLEX 5A, OGNA TYPE. Identifiers: Orphanet 79401, MedGen C0432317, MONDO:0007555, OMIM 131950.
Autosomal recessive limb-girdle muscular dystrophy type 2Q (LGMDR17). Also called: MUSCULAR DYSTROPHY, LIMB-GIRDLE, AUTOSOMAL RECESSIVE 17. Identifiers: Orphanet 254361, MedGen C3150989, MONDO:0013390, OMIM 613723.
Epidermolysis bullosa simplex 5B, with muscular dystrophy (EBS5B). Also called: EPIDERMOLYSIS BULLOSA SIMPLEX AND LIMB-GIRDLE MUSCULAR DYSTROPHY; Epidermolysis bullosa simplex with muscular dystrophy. Identifiers: Orphanet 257, MedGen C2931072, MONDO:0009181, OMIM 226670.
Epidermolysis bullosa simplex 5C, with pyloric atresia (EBS5C). Also called: PLEC-Related Epidermolysis Bullosa with Pyloric Atresia; Epidermolysis bullosa simplex with pyloric atresia; PLEC1-Related Epidermolysis Bullosa with Pyloric Atresia. Identifiers: Orphanet 158684, MedGen C2677349, MONDO:0012807, OMIM 612138.

Submission:

Labcorp Genetics (formerly Invitae), Labcorp
Classification: Pathogenic for Autosomal recessive limb-girdle muscular dystrophy type 2Q; Epidermolysis bullosa simplex, Ogna type; Epidermolysis bullosa simplex with nail dystrophy; Epidermolysis bullosa simplex 5C, with pyloric atresia; Epidermolysis bullosa simplex 5B, with muscular dystrophy. Last evaluated: 2024-08-08. Review status: criteria provided, single submitter. Criteria: Invitae Variant Classification Sherloc (09022015). Collection method: clinical testing. Allele origin: germline.
Comment: This sequence change creates a premature translational stop signal (p.Leu535Alafs*35) in the PLEC gene. It is expected to result in an absent or disrupted protein product. Loss-of-function variants in PLEC are known to be pathogenic (PMID: 20301336, 20447487, 21109228, 23289980, 28824526). This variant is not present in population databases (gnomAD no frequency). This variant has not been reported in the literature in individuals affected with PLEC-related conditions. Algorithms developed to predict the effect of sequence changes on RNA splicing suggest that this variant may create or strengthen a splice site. For these reasons, this variant has been classified as Pathogenic.

Literature cited by the submitters: PubMed 20301336; PubMed 20447487; PubMed 21109228; PubMed 23289980; PubMed 28824526.

NM_201384.3(PLEC):c.1522_1523del (p.Leu508fs)

Gene: PLEC (plectin; minus strand). Cytogenetic location: 8q24.3.
Variant type: Microsatellite.
Coding change: c.1522_1523del on transcript NM_201384.3 (MANE Select); coding-DNA positions 1522 to 1523, 2 bases deleted (CT; older notation c.1522_1523delCT).
Protein change: p.Leu508fs; shifts the reading frame from leucine 508.
Molecular consequence: frameshift variant.
Genome position (GRCh38, 1-based): chr8:143,933,007-143,933,008, AG deleted on the plus strand (CT on the coding strand, the reverse complement: PLEC is on the minus strand); deleting any 2 consecutive bases within chr8:143,933,007-143,933,010 gives the same sequence; the c. name uses the placement nearest the transcript's 3' end. VCF-style (leftmost placement, unchanged base first): chr8-143933006-CAG-C. GRCh37 (hg19) VCF-style: chr8-145007174-CAG-C.
Other names: c.1603_1604del, p.Leu535fs (NM_000445.5, NM_001410941.1); c.1480_1481del, p.Leu494fs (NM_201378.4); c.1456_1457del, p.Leu486fs (NM_201379.3); c.1933_1934del, p.Leu645fs (NM_201380.4); c.1426_1427del, p.Leu476fs (NM_201381.3); c.1522_1523del, p.Leu508fs (NM_201382.4); c.1534_1535del, p.Leu512fs (NM_201383.3); short protein forms L476fs, L486fs, L494fs, L508fs, L512fs, L535fs, L645fs.
Identifiers: ClinVar variation 3751301 (VCV003751301.2).